The following is an entry in ClinVar:

ClinVar aggregate classification (germline): Uncertain significance (1 of 4 stars; one submission).

Conditions:
Hereditary cancer-predisposing syndrome. Also called: Tumor predisposition; Hereditary neoplastic syndrome; Neoplastic Syndromes, Hereditary; Hereditary Cancer Syndrome. Identifiers: Orphanet 140162, MedGen C0027672, MeSH D009386, MONDO:0015356.

Allele frequency attached by ClinVar (database versions not stated): gnomAD exomes below 0.00001; ExAC 0.00001.

Submission:

Labcorp Genetics (formerly Invitae), Labcorp
Classification: Uncertain significance for Hereditary cancer-predisposing syndrome. Last evaluated: 2020-10-20. Review status: criteria provided, single submitter. Criteria: Invitae Variant Classification Sherloc (09022015). Collection method: clinical testing. Allele origin: germline.
Comment: This variant has not been reported in the literature in individuals with RAD50-related conditions. In summary, the available evidence is currently insufficient to determine the role of this variant in disease. Therefore, it has been classified as a Variant of Uncertain Significance. Algorithms developed to predict the effect of sequence changes on RNA splicing suggest that this variant may create or strengthen a splice site, but this prediction has not been confirmed by published transcriptional studies. Algorithms developed to predict the effect of missense changes on protein structure and function (SIFT, PolyPhen-2, Align-GVGD) all suggest that this variant is likely to be tolerated, but these predictions have not been confirmed by published functional studies and their clinical significance is uncertain. This variant is present in population databases (rs748372518, ExAC 0.001%). This sequence change replaces methionine with valine at codon 1108 of the RAD50 protein (p.Met1108Val). The methionine residue is moderately conserved and there is a small physicochemical difference between methionine and valine.

NM_005732.4(RAD50):c.3322A>G (p.Met1108Val)

Gene: RAD50 (RAD50 double strand break repair protein; plus strand). Cytogenetic location: 5q31.1.
Variant type: single nucleotide variant.
Coding change: c.3322A>G on transcript NM_005732.4 (MANE Select); coding-DNA position 3322, A replaced by G.
Protein change: p.Met1108Val; replaces methionine 1108 with valine.
Molecular consequence: missense variant.
Genome position (GRCh38, 1-based): chr5:132,618,227, A>G. VCF-style: chr5-132618227-A-G. GRCh37 (hg19) VCF-style: chr5-131953919-A-G.
Other names: short protein forms M1108V.
Identifiers: ClinVar variation 1009237 (VCV001009237.9), dbSNP rs748372518, ClinGen allele CA3405555.